The following is an entry in ClinVar:

ClinVar aggregate classification (germline): Uncertain significance (1 of 4 stars; one submission).

Conditions:
GUSB-related disorder. Also called: GUSB-related condition.

Submission:

PreventionGenetics, part of Exact Sciences
Classification: Uncertain significance for GUSB-related condition. Last evaluated: 2024-10-28. Review status: criteria provided, single submitter. Criteria: ACMG Guidelines, 2015. Collection method: clinical testing. Allele origin: germline.
Comment: The GUSB c.1874G>T variant is predicted to result in the amino acid substitution p.Arg625Ile. To our knowledge, this variant has not been reported in the literature or in a large population database, indicating this variant is rare. Although we suspect that this variant may be pathogenic, at this time, the clinical significance of this variant is uncertain due to the absence of conclusive functional and genetic evidence.

NM_000181.4(GUSB):c.1874G>T (p.Arg625Ile)

Gene: GUSB (glucuronidase beta; minus strand). Cytogenetic location: 7q11.21.
Variant type: single nucleotide variant.
Coding change: c.1874G>T on transcript NM_000181.4 (MANE Select); coding-DNA position 1874, G replaced by T.
Protein change: p.Arg625Ile; replaces arginine 625 with isoleucine.
Molecular consequence: missense variant. On other transcripts: non-coding transcript variant (1).
Genome position (GRCh38, 1-based): chr7:65,960,979, C>A on the plus strand (G>T on the coding strand, the complement: GUSB is on the minus strand). VCF-style: chr7-65960979-C-A. GRCh37 (hg19) VCF-style: chr7-65425966-C-A.
Other names: c.1436G>T, p.Arg479Ile (NM_001284290.2); c.1304G>T, p.Arg435Ile (NM_001293104.2); c.1217G>T, p.Arg406Ile (NM_001293105.2); short protein forms R625I, R435I, R479I, R406I.
Identifiers: ClinVar variation 4983015 (VCV004983015.1).